The following is an entry in ClinVar:

NM_001128178.3(NPHP1):c.860-4dup

Gene: NPHP1 (nephrocystin 1; minus strand). Cytogenetic location: 2q13.
Variant type: Duplication.
Coding change: c.860-4dup on transcript NM_001128178.3 (MANE Select); 4 bases into the intron before coding-DNA position 860, one base duplicated (T; older notation c.860-4dupT).
Molecular consequence: intron variant.
Genome position (GRCh38, 1-based): chr2:110,161,701, A duplicated on the plus strand (T on the coding strand, the reverse complement: NPHP1 is on the minus strand); the first of 6 consecutive A bases (chr2:110,161,701-110,161,706); duplicating any one gives the same sequence. VCF-style (leftmost placement, unchanged base first): chr2-110161700-G-GA. GRCh37 (hg19) VCF-style: chr2-110919277-G-GA.
Other names: c.671-4dup (NM_001128179.3); c.857-4dup (NM_001374256.1); c.860-4dup (NM_001374257.1); c.1025-4dup (NM_207181.4); c.1028-4dup (NM_000272.5).
Identifiers: ClinVar variation 3029595 (VCV003029595.2), dbSNP rs1682356191, ClinGen allele CA1278838125.

ClinVar aggregate classification (germline): Likely benign (0 of 4 stars; one submission).

Conditions:
NPHP1-related disorder. Also called: NPHP1-related condition; NPHP1-related disorders.

Submission:

PreventionGenetics, part of Exact Sciences
Classification: Likely benign for NPHP1-related condition. Last evaluated: 2021-07-12. Review status: no assertion criteria provided. Collection method: clinical testing. Allele origin: germline.
Comment: This variant is classified as likely benign based on ACMG/AMP sequence variant interpretation guidelines (Richards et al. 2015 PMID: 25741868, with internal and published modifications).